The following is an entry in ClinVar:

ClinVar aggregate classification (germline): Uncertain significance (1 of 4 stars; one submission).

Conditions:
RASopathy. Also called: rasopathies; Noonan spectrum disorder. Identifiers: Orphanet 536391, MedGen C5555857, MONDO:0021060.

Submission:

Labcorp Genetics (formerly Invitae), Labcorp
Classification: Uncertain significance for RASopathy. Last evaluated: 2022-08-23. Review status: criteria provided, single submitter. Criteria: Invitae Variant Classification Sherloc (09022015). Collection method: clinical testing. Allele origin: germline.
Comment: This sequence change replaces valine, which is neutral and non-polar, with phenylalanine, which is neutral and non-polar, at codon 258 of the MAP2K1 protein (p.Val258Phe). In summary, the available evidence is currently insufficient to determine the role of this variant in disease. Therefore, it has been classified as a Variant of Uncertain Significance. Advanced modeling of protein sequence and biophysical properties (such as structural, functional, and spatial information, amino acid conservation, physicochemical variation, residue mobility, and thermodynamic stability) performed at Invitae indicates that this missense variant is not expected to disrupt MAP2K1 protein function. This variant has not been reported in the literature in individuals affected with MAP2K1-related conditions. This variant is not present in population databases (gnomAD no frequency).

NM_002755.4(MAP2K1):c.772G>T (p.Val258Phe)

Gene: MAP2K1 (mitogen-activated protein kinase kinase 1; plus strand). Cytogenetic location: 15q22.31.
Variant type: single nucleotide variant.
Coding change: c.772G>T on transcript NM_002755.4 (MANE Select); coding-DNA position 772, G replaced by T.
Protein change: p.Val258Phe; replaces valine 258 with phenylalanine.
Molecular consequence: missense variant.
Genome position (GRCh38, 1-based): chr15:66,485,068, G>T. VCF-style: chr15-66485068-G-T. GRCh37 (hg19) VCF-style: chr15-66777406-G-T.
Other names: c.628G>T, p.Val210Phe (NM_001411065.1); short protein forms V258F, V210F.
Identifiers: ClinVar variation 1952604 (VCV001952604.5), dbSNP rs753236280, ClinGen allele CA392937120.